The following is an entry in ClinVar:

ClinVar aggregate classification (germline): Uncertain significance. Review status: criteria provided, multiple submitters, no conflicts (2 of 4 stars). 2 submissions from 2 submitters: Uncertain significance (2). Last evaluated 2026-05-27.

Conditions:
Inborn genetic diseases. Identifiers: MedGen C0950123, MeSH D030342.

Submissions (2):

Ambry Genetics
Classification: Uncertain significance for Inborn genetic diseases. Last evaluated: 2026-05-27. Review status: criteria provided, single submitter. Criteria: Ambry Variant Classification Scheme 2023. Collection method: clinical testing. Allele origin: germline.
Comment: The p.F323L variant (also known as c.967T>C), located in coding exon 3 of the MBD4 gene, results from a T to C substitution at nucleotide position 967. The phenylalanine at codon 323 is replaced by leucine, an amino acid with highly similar properties. This amino acid position is conserved. In addition, this alteration is predicted to be tolerated by in silico analysis. Based on the available evidence, the clinical significance of this variant remains unclear.

Labcorp Genetics (formerly Invitae), Labcorp
Classification: Uncertain significance. Last evaluated: 2024-12-18. Review status: criteria provided, single submitter. Criteria: Invitae Variant Classification Sherloc (09022015). Collection method: clinical testing. Allele origin: germline.
Comment: This sequence change replaces phenylalanine, which is neutral and non-polar, with leucine, which is neutral and non-polar, at codon 323 of the MBD4 protein (p.Phe323Leu). This variant is not present in population databases (gnomAD no frequency). This variant has not been reported in the literature in individuals affected with MBD4-related conditions. An algorithm developed to predict the effect of missense changes on protein structure and function outputs the following: PolyPhen-2: "Benign". The leucine amino acid residue is found in multiple mammalian species, which suggests that this missense change does not adversely affect protein function. In summary, the available evidence is currently insufficient to determine the role of this variant in disease. Therefore, it has been classified as a Variant of Uncertain Significance.

NM_001276270.2(MBD4):c.967T>C (p.Phe323Leu)

Gene: MBD4 (methyl-CpG binding domain 4, DNA glycosylase; minus strand). Cytogenetic location: 3q21.3.
Variant type: single nucleotide variant.
Coding change: c.967T>C on transcript NM_001276270.2 (MANE Select); coding-DNA position 967, T replaced by C.
Protein change: p.Phe323Leu; replaces phenylalanine 323 with leucine.
Molecular consequence: missense variant. On other transcripts: intron variant (1).
Genome position (GRCh38, 1-based): chr3:129,436,677, A>G on the plus strand (T>C on the coding strand, the complement: MBD4 is on the minus strand). VCF-style: chr3-129436677-A-G. GRCh37 (hg19) VCF-style: chr3-129155520-A-G.
Other names: c.967T>C, p.Phe323Leu (NM_001276271.2, NM_001276272.2, NM_003925.3); c.247+1131T>C (NM_001276273.2); short protein forms F323L.
Identifiers: ClinVar variation 3688148 (VCV003688148.3).